The following is an entry in ClinVar:

ClinVar aggregate classification (germline): Likely benign (1 of 4 stars; one submission).

Submission:

CeGaT Center for Human Genetics Tuebingen
Classification: Likely benign. Last evaluated: 2023-10-01. Review status: criteria provided, single submitter. Criteria: CeGaT Center For Human Genetics Tuebingen Variant Classification Criteria Version 2. Collection method: clinical testing. Allele origin: germline. Affected: yes. Observed: 2 variant alleles.
Comment: NTRK2: PM2:Supporting, BP4, BP7

NM_006180.6(NTRK2):c.168G>A (p.Pro56=)

Gene: NTRK2 (neurotrophic receptor tyrosine kinase 2; plus strand). Cytogenetic location: 9q21.33.
Variant type: single nucleotide variant.
Coding change: c.168G>A on transcript NM_006180.6 (MANE Select); coding-DNA position 168, G replaced by A.
Protein change: p.Pro56=; no amino-acid change (proline 56 retained).
Molecular consequence: synonymous variant.
Genome position (GRCh38, 1-based): chr9:84,670,916, G>A. VCF-style: chr9-84670916-G-A. GRCh37 (hg19) VCF-style: chr9-87285831-G-A.
Other names: c.168G>A, p.Pro56= (NM_001007097.3, NM_001018064.3, NM_001018065.2 and 19 more transcripts).
Identifiers: ClinVar variation 2659284 (VCV002659284.24), dbSNP rs2490686683, ClinGen allele CA465983891.